The following is an entry in ClinVar:

ClinVar aggregate classification (germline): Uncertain significance (1 of 4 stars; one submission).

Conditions:
Arginine:glycine amidinotransferase deficiency (CCDS3). Also called: L-Arginine:Glycine Amidinotransferase (AGAT) Deficiency; AGAT deficiency; L-Arginine:Glycine Amidinotransferase Deficiency; Cerebral creatine deficiency syndrome 3; Creatine deficiency syndrome due to AGAT deficiency; GATM deficiency. Identifiers: Orphanet 35704, MedGen C2675179, MONDO:0012996, OMIM 612718.

Submission:

Labcorp Genetics (formerly Invitae), Labcorp
Classification: Uncertain significance for Arginine:glycine amidinotransferase deficiency. Last evaluated: 2024-01-07. Review status: criteria provided, single submitter. Criteria: Invitae Variant Classification Sherloc (09022015). Collection method: clinical testing. Allele origin: germline.
Comment: This sequence change replaces threonine, which is neutral and polar, with alanine, which is neutral and non-polar, at codon 212 of the GATM protein (p.Thr212Ala). This variant is not present in population databases (gnomAD no frequency). This variant has not been reported in the literature in individuals affected with GATM-related conditions. Advanced modeling of protein sequence and biophysical properties (such as structural, functional, and spatial information, amino acid conservation, physicochemical variation, residue mobility, and thermodynamic stability) performed at Invitae indicates that this missense variant is not expected to disrupt GATM protein function with a negative predictive value of 80%. In summary, the available evidence is currently insufficient to determine the role of this variant in disease. Therefore, it has been classified as a Variant of Uncertain Significance.

NM_001482.3(GATM):c.634A>G (p.Thr212Ala)

Gene: GATM (glycine amidinotransferase; minus strand). Cytogenetic location: 15q21.1.
Variant type: single nucleotide variant.
Coding change: c.634A>G on transcript NM_001482.3 (MANE Select); coding-DNA position 634, A replaced by G.
Protein change: p.Thr212Ala; replaces threonine 212 with alanine.
Molecular consequence: missense variant.
Genome position (GRCh38, 1-based): chr15:45,368,111, T>C on the plus strand (A>G on the coding strand, the complement: GATM is on the minus strand). VCF-style: chr15-45368111-T-C. GRCh37 (hg19) VCF-style: chr15-45660309-T-C.
Other names: c.247A>G, p.Thr83Ala (NM_001321015.2); short protein forms T83A, T212A.
Identifiers: ClinVar variation 2783013 (VCV002783013.3), dbSNP rs2541991858, ClinGen allele CA392260657.